The following is an entry in ClinVar:

NM_000372.5(TYR):c.724G>T (p.Glu242Ter)

Gene: TYR (tyrosinase; plus strand). Cytogenetic location: 11q14.3.
Variant type: single nucleotide variant.
Coding change: c.724G>T on transcript NM_000372.5 (MANE Select); coding-DNA position 724, G replaced by T.
Protein change: p.Glu242Ter; replaces glutamic acid 242 with a stop codon.
Molecular consequence: nonsense.
Genome position (GRCh38, 1-based): chr11:89,178,677, G>T. VCF-style: chr11-89178677-G-T. GRCh37 (hg19) VCF-style: chr11-88911845-G-T.
Other names: short protein forms E242*.
Identifiers: ClinVar variation 4730105 (VCV004730105.1).
Genomic context (GRCh38, chr11:89,178,677, plus strand): 5'-ATCCAGAAGCTGACAGGAGATGAAAACTTCACTATTCCATATTGGGACTGGCGGGATGCA[G>T]AAAAGTGTGACATTTGCACAGATGAGTACATGGGAGGTCAGCACCCCACAAATCCTAACT-3'

ClinVar aggregate classification (germline): Pathogenic (1 of 4 stars; one submission).

gnomAD v4.1: 1 of 1,613,828 alleles (0.000062%); highest among the groups gnomAD compares: Non-Finnish European, 0.000085%; no homozygotes.

Submission:

Labcorp Genetics (formerly Invitae), Labcorp
Classification: Pathogenic. Last evaluated: 2025-10-28. Review status: criteria provided, single submitter. Criteria: Invitae Variant Classification Sherloc (09022015). Collection method: clinical testing. Allele origin: germline.
Comment: This sequence change creates a premature translational stop signal (p.Glu242*) in the TYR gene. It is expected to result in an absent or disrupted protein product. Loss-of-function variants in TYR are known to be pathogenic (PMID: 23504663). This variant is not present in population databases (gnomAD no frequency). This variant has not been reported in the literature in individuals affected with TYR-related conditions. Algorithms developed to predict the effect of sequence changes on RNA splicing suggest that this variant may disrupt the consensus splice site. For these reasons, this variant has been classified as Pathogenic.

Literature cited by the submitters: PubMed 23504663.